The following is an entry in ClinVar:

ClinVar aggregate classification (germline): Uncertain significance (1 of 4 stars; one submission).

Allele frequency attached by ClinVar (database versions not stated): gnomAD exomes below 0.00001.
gnomAD v4.1: 1 of 1,614,160 alleles (0.000062%); highest among the groups gnomAD compares: East Asian, 0.0022%; no homozygotes.

Submission:

Ambry Genetics
Classification: Uncertain significance. Last evaluated: 2022-02-21. Review status: criteria provided, single submitter. Criteria: Ambry Variant Classification Scheme 2023. Collection method: clinical testing. Allele origin: germline.
Comment: The p.P126S variant (also known as c.376C>T), located in coding exon 1 of the PALLD gene, results from a C to T substitution at nucleotide position 376. The proline at codon 126 is replaced by serine, an amino acid with similar properties. This amino acid position is conserved. In addition, this alteration is predicted to be tolerated by in silico analysis. Since supporting evidence is limited at this time, the clinical significance of this alteration remains unclear.

NM_001166108.2(PALLD):c.376C>T (p.Pro126Ser)

Gene: PALLD (palladin, cytoskeletal associated protein; plus strand). Cytogenetic location: 4q32.3.
Variant type: single nucleotide variant.
Coding change: c.376C>T on transcript NM_001166108.2 (MANE Select); coding-DNA position 376, C replaced by T.
Protein change: p.Pro126Ser; replaces proline 126 with serine.
Molecular consequence: missense variant.
Genome position (GRCh38, 1-based): chr4:168,511,880, C>T. VCF-style: chr4-168511880-C-T. GRCh37 (hg19) VCF-style: chr4-169433031-C-T.
Other names: c.376C>T, p.Pro126Ser (NM_016081.4); short protein forms P126S.
Identifiers: ClinVar variation 1734745 (VCV001734745.2), dbSNP rs1306820870, ClinGen allele CA358725662.
Genomic context (GRCh38, chr4:168,511,880, plus strand): 5'-GCAGAGAAACAAACTAAGAGTATCTCTTCACCTGTTTCAAAGAGGAAACCTGCCATGTCA[C>T]CCCTGCTCACCAGGCCCAGCTACATCCGGAGCCTCCGAAAGGCTGAAAAGCGTGGTGCAA-3'
Protein context (NP_001159580.1, residues 116-136): PVSKRKPAMS[Pro126Ser]LLTRPSYIRS